The following is an entry in ClinVar:

ClinVar aggregate classification (germline): Pathogenic/Likely pathogenic. Review status: criteria provided, multiple submitters, no conflicts (2 of 4 stars). 2 submissions from 2 submitters: Pathogenic (1); Likely pathogenic (1). Last evaluated 2023-01-23.

Conditions:
Hyperornithinemia-hyperammonemia-homocitrullinuria syndrome (HHHS). Also called: Ornithine translocase deficiency; HHH SYNDROME. Identifiers: Orphanet 415, MedGen C0268540, MONDO:0009393, OMIM 238970.

Submissions (2):

Labcorp Genetics (formerly Invitae), Labcorp
Classification: Pathogenic for Hyperornithinemia-hyperammonemia-homocitrullinuria syndrome. Last evaluated: 2023-01-23. Review status: criteria provided, single submitter. Criteria: Invitae Variant Classification Sherloc (09022015). Collection method: clinical testing. Allele origin: germline.
Comment: For these reasons, this variant has been classified as Pathogenic. Algorithms developed to predict the effect of sequence changes on RNA splicing suggest that this variant may disrupt the consensus splice site. ClinVar contains an entry for this variant (Variation ID: 1325080). This variant has not been reported in the literature in individuals affected with SLC25A15-related conditions. This variant is not present in population databases (gnomAD no frequency). This sequence change creates a premature translational stop signal (p.Phe185Serfs*8) in the SLC25A15 gene. It is expected to result in an absent or disrupted protein product. Loss-of-function variants in SLC25A15 are known to be pathogenic (PMID: 11552031, 19242930).

Revvity Omics, Revvity
Classification: Likely pathogenic for Hyperornithinemia-hyperammonemia-homocitrullinuria syndrome. Last evaluated: 2021-01-25. Review status: criteria provided, single submitter. Criteria: ACMG Guidelines, 2015. Collection method: clinical testing. Allele origin: germline.

Literature cited by the submitters: PubMed 11552031 (cited by Labcorp Genetics (formerly Invitae), Labcorp); PubMed 19242930 (cited by Labcorp Genetics (formerly Invitae), Labcorp).

NM_014252.4(SLC25A15):c.554_557del (p.Phe185fs)

Gene: SLC25A15 (solute carrier family 25 member 15; plus strand). Cytogenetic location: 13q14.11.
Variant type: Deletion.
Coding change: c.554_557del on transcript NM_014252.4 (MANE Select); coding-DNA positions 554 to 557, 4 bases deleted (TCTT; older notation c.554_557delTCTT).
Protein change: p.Phe185fs; shifts the reading frame from phenylalanine 185.
Molecular consequence: frameshift variant.
Genome position (GRCh38, 1-based): chr13:40,807,395-40,807,398, TCTT deleted; deleting any 4 consecutive bases within chr13:40,807,393-40,807,398 gives the same sequence; the c. name uses the placement nearest the transcript's 3' end. VCF-style (leftmost placement, unchanged base first): chr13-40807392-ATTTC-A. GRCh37 (hg19) VCF-style: chr13-41381528-ATTTC-A.
Other names: short protein forms F185fs.
Identifiers: ClinVar variation 1325080 (VCV001325080.8), dbSNP rs1882233400, ClinGen allele CA2086592383.
Genomic context (GRCh38, chr13:40,807,392, plus strand): 5'-ATGGCCCCTTGGGGTTCTACCATGGACTCTCAAGCACTTTACTTCGAGAAGTACCAGGCT[ATTTC>A]TTCTTCTTCGGTGGCTATGAACTGAGCCGGTCCTTTTTTGCATCAGGGAGATCAAAAGAT-3'